The following is an entry in ClinVar:

ClinVar aggregate classification (germline): Uncertain significance. Review status: criteria provided, multiple submitters, no conflicts (2 of 4 stars). 2 submissions from 2 submitters: Uncertain significance (2). Last evaluated 2025-06-24.

Conditions:
Inborn genetic diseases. Identifiers: MedGen C0950123, MeSH D030342.
DOCK2 deficiency. Also called: Immunodeficiency 40. Identifiers: Orphanet 447737, MedGen C4225328, MONDO:0014637, OMIM 616433.

Allele frequency attached by ClinVar (database versions not stated): gnomAD exomes 0.00001; ExAC 0.00002; ESP Exome Variant Server 0.00008; gnomAD 0.00009; TOPMed 0.00012; 1000 Genomes Project 30x 0.00016; 1000 Genomes Project 0.00020.
gnomAD v4.1: 25 of 1,613,554 alleles (0.0015%); highest among the groups gnomAD compares: African/African-American, 0.032%; no homozygotes.

Submissions (2):

Ambry Genetics
Classification: Uncertain significance for Inborn genetic diseases. Last evaluated: 2025-06-24. Review status: criteria provided, single submitter. Criteria: Ambry Variant Classification Scheme 2023. Collection method: clinical testing. Allele origin: germline.

Labcorp Genetics (formerly Invitae), Labcorp
Classification: Uncertain significance for DOCK2 deficiency. Last evaluated: 2021-12-16. Review status: criteria provided, single submitter. Criteria: Invitae Variant Classification Sherloc (09022015). Collection method: clinical testing. Allele origin: germline.
Comment: This sequence change replaces threonine, which is neutral and polar, with serine, which is neutral and polar, at codon 752 of the DOCK2 protein (p.Thr752Ser). This variant is present in population databases (rs371936048, gnomAD 0.02%). This variant has not been reported in the literature in individuals affected with DOCK2-related conditions. Algorithms developed to predict the effect of missense changes on protein structure and function (SIFT, PolyPhen-2, Align-GVGD) all suggest that this variant is likely to be tolerated. Algorithms developed to predict the effect of sequence changes on RNA splicing suggest that this variant may create or strengthen a splice site. In summary, the available evidence is currently insufficient to determine the role of this variant in disease. Therefore, it has been classified as a Variant of Uncertain Significance.

NM_004946.3(DOCK2):c.2254A>T (p.Thr752Ser)

Gene: DOCK2 (dedicator of cytokinesis 2; plus strand). Cytogenetic location: 5q35.1.
Variant type: single nucleotide variant.
Coding change: c.2254A>T on transcript NM_004946.3 (MANE Select); coding-DNA position 2254, A replaced by T.
Protein change: p.Thr752Ser; replaces threonine 752 with serine.
Molecular consequence: missense variant. On other transcripts: non-coding transcript variant (1).
Genome position (GRCh38, 1-based): chr5:169,718,778, A>T. VCF-style: chr5-169718778-A-T. GRCh37 (hg19) VCF-style: chr5-169145782-A-T.
Other names: c.2254A>T (NM_004946.2); short protein forms T752S.
Identifiers: ClinVar variation 2078086 (VCV002078086.2), dbSNP rs371936048, ClinGen allele CA3553703.